The following continues an entry in ClinVar:

NM_000059.4(BRCA2):c.5073dup (p.Trp1692fs)

Gene: BRCA2. ClinVar aggregate classification (germline): Pathogenic. Pathogenic (1).

Submissions 22 to 37 of 57:

Institute for Genomic Medicine (IGM) Clinical Laboratory, Nationwide Children's Hospital
Classification: Pathogenic for Hereditary cancer-predisposing syndrome. Last evaluated: 2024-02-28. Review status: criteria provided, single submitter. Criteria: ACMG Guidelines, 2015. Collection method: clinical testing. Allele origin: germline. Not counted in ClinVar's aggregate classification.
Comment: This variant is predicted to result in loss of function through nonsense-mediated decay of the encoded transcript or premature truncation of the encoded protein in a gene in which loss of function is a known mechanism of disease (ACMG/AMP: PVS1). This variant has been reported at an elevated frequency in affected individuals/in multiple affected individuals in the literature (ACMG/AMP: PS4; PMIDs:14973102, 16683254, 19796187, 22866093, 26541979, 29339979, 29907814, 33606809).

Clinical Genetics Laboratory, Skane University Hospital Lund
Classification: Pathogenic. Last evaluated: 2024-01-11. Review status: criteria provided, single submitter. Criteria: ACMG Guidelines, 2015. Collection method: clinical testing. Allele origin: germline. Affected: yes. Not counted in ClinVar's aggregate classification.

Molecular Genetics and NGS Laboratory, Hospital Fundacion Valle Del Lili
Classification: Pathogenic for Familial cancer of breast; Breast-ovarian cancer, familial, susceptibility to, 2; Glioma susceptibility 3; Medulloblastoma; Pancreatic cancer, susceptibility to, 2; Familial prostate cancer; Fanconi anemia complementation group D1; Wilms tumor 1. Last evaluated: 2023-11-13. Review status: criteria provided, single submitter. Criteria: ACMG Guidelines, 2015. Collection method: clinical testing. Allele origin: germline. Affected: yes. Observed: 1 variant allele. Not counted in ClinVar's aggregate classification.

Quest Diagnostics Nichols Institute San Juan Capistrano
Classification: Pathogenic. Last evaluated: 2023-07-12. Review status: criteria provided, single submitter. Criteria: Quest Diagnostics criteria. Collection method: clinical testing. Allele origin: unknown. Not counted in ClinVar's aggregate classification.
Comment: The BRCA2 c.5073dup (p.Trp1692Metfs*3) variant alters the translational reading frame of the BRCA2 mRNA and causes the premature termination of BRCA2 protein synthesis. This variant has been reported in the published literature in in individuals with ampullary adenocarcinoma (PMID: 36998040 (2023)), ovarian cancer (PMID: 32850417 (2020)), and breast cancer (PMID: 28486781 (2017), 32365798 (2020)). The frequency of this variant in the general population, 0.000028 (3/107130 chromosomes (Genome Aggregation Database)), is consistent with pathogenicity. Based on the available information, this variant is classified as pathogenic.

Institute for Biomarker Research, Medical Diagnostic Laboratories, L.L.C.
Classification: Pathogenic for Hereditary breast ovarian cancer syndrome. Last evaluated: 2023-03-21. Review status: criteria provided, single submitter. Criteria: ACMG Guidelines, 2015. Collection method: clinical testing. Allele origin: germline. Not counted in ClinVar's aggregate classification.

Fulgent Genetics
Classification: Pathogenic for Familial cancer of breast; Medulloblastoma; Familial prostate cancer; Wilms tumor 1; Fanconi anemia complementation group D1; Breast-ovarian cancer, familial, susceptibility to, 2; Glioma susceptibility 3; Pancreatic cancer, susceptibility to, 2. Last evaluated: 2022-05-31. Review status: criteria provided, single submitter. Criteria: ACMG Guidelines, 2015. Collection method: clinical testing. Allele origin: unknown. Not counted in ClinVar's aggregate classification.

MGZ Medical Genetics Center
Classification: Pathogenic for Familial cancer of breast. Last evaluated: 2022-03-16. Review status: criteria provided, single submitter. Criteria: ACMG Guidelines, 2015. Collection method: clinical testing. Allele origin: germline. Affected: yes. Observed: 2 variant alleles. Not counted in ClinVar's aggregate classification.
Comment: ACMG criteria applied: PVS1, PS4_MOD, PM2_SUP

Laboratorio de Genetica e Diagnostico Molecular, Hospital Israelita Albert Einstein
Classification: Pathogenic for Breast-ovarian cancer, familial, susceptibility to, 2. Last evaluated: 2022-02-14. Review status: criteria provided, single submitter. Criteria: ACMG Guidelines, 2015. Collection method: clinical testing. Allele origin: germline. Affected: yes. Not counted in ClinVar's aggregate classification.
Comment: ACMG classification criteria: PVS1 very strong, PS4 strong, PM2 moderate

CHEO Genetics Diagnostic Laboratory, Children's Hospital of Eastern Ontario
Classification: Pathogenic for Breast and/or ovarian cancer. Last evaluated: 2022-01-28. Review status: criteria provided, single submitter. Criteria: ACMG Guidelines, 2015. Collection method: clinical testing. Allele origin: germline. Study: Canadian Open Genetics Repository. Not counted in ClinVar's aggregate classification.

Sema4
Classification: Pathogenic for Hereditary cancer-predisposing syndrome. Last evaluated: 2021-12-01. Review status: criteria provided, single submitter. Criteria: Sema4 Curation Guidelines. Collection method: curation. Allele origin: germline. Not counted in ClinVar's aggregate classification.
Comment: The BRCA2 c.5073dupA (p.W1692Mfs*3) variant has been reported in individuals with Fanconi anemia, breast cancer, and ovarian cancer (PMID: 14559878, 11179017, 12181777, 26187060, 29339979, 33471991). This variant causes a frameshift at amino acid 1692 that results in premature termination 3 amino acids downstream. Loss of function variants in BRCA1 or BRCA2 are known to be pathogenic (PMID: 29446198). This variant is also known as c.5301insA and c.5302insA in the literature. It was observed in 1/8884 chromosomes of the Ashkenazi Jewish subpopulation in the large and broad cohorts of the Genome Aggregation Database (PMID: 32461654). The variant has been reported in ClinVar (Variation ID 37943). Based on the current evidence available, this variant is interpreted as pathogenic.

Genetics and Molecular Pathology, SA Pathology
Classification: Pathogenic for Familial cancer of breast. Last evaluated: 2021-11-24. Review status: criteria provided, single submitter. Criteria: ACMG Guidelines, 2015. Collection method: clinical testing. Allele origin: germline. Inheritance: Autosomal dominant inheritance. Affected: yes. Not counted in ClinVar's aggregate classification.
Comment: The BRCA2 c.5073dupA variant is classified as Pathogenic (PVS1, PM2) This BRCA2 c.5073dupA variant is located in exon 11/27 and is predicted to cause a shift in the reading frame at codon 1692 (PVS1). The variant is rare in population databases (PM2). The variant has been reported in dbSNP (rs80359479) and has been reported as Pathogenic by other diagnostic laboratories (ClinVar Variation ID: 37943).

Genetics Program, Instituto Nacional de Cancer
Classification: Pathogenic for Hereditary breast ovarian cancer syndrome. Last evaluated: 2021-11-01. Review status: criteria provided, single submitter. Criteria: ACMG Guidelines, 2015. Collection method: research. Allele origin: germline. Affected: yes. Not counted in ClinVar's aggregate classification.

Department of Molecular Diagnostics, Institute of Oncology Ljubljana
Classification: Pathogenic for Breast-ovarian cancer, familial, susceptibility to, 1. Last evaluated: 2020-04-02. Review status: criteria provided, single submitter. Criteria: ACMG Guidelines, 2015. Collection method: clinical testing. Allele origin: germline. Affected: yes. Not counted in ClinVar's aggregate classification.

GeneDx
Classification: Pathogenic. Last evaluated: 2020-01-29. Review status: criteria provided, single submitter. Criteria: GeneDx Variant Classification Process June 2021. Collection method: clinical testing. Allele origin: germline. Affected: yes. Not counted in ClinVar's aggregate classification.
Comment: Frameshift variant predicted to result in protein truncation or nonsense mediated decay in a gene for which loss-of-function is a known mechanism of disease; Observed in individuals with BRCA2-related cancers and reported to occur de novo in at least one case (Sutter 2004, Marshall 2009, Laarabi 2011, Elalaoui 2013, de Juan 2015); Not observed at a significant frequency in large population cohorts (Lek 2016); Truncating variants in this gene are considered pathogenic by a well-established clinical consortium and/or database; Also known as 5301dupA or 5301insA; This variant is associated with the following publications: (PMID: 25479140, 22866093, 28486781, 11179017, 14973102, 19796187, 26541979, 26026974, 25452441, 26064523, 14559878, 26787237, 26641009, 26681312, 23621226, 28814288, 16683254, 10923033, 22144684, 29555025, 28477318, 28724667, 29339979, 29907814, 26556299, 28993434, 26187060, 28176296, 30702160, 31060517, 31396961, 27741520, 29625052, 26689913, 31447099, 31263571, 32029870, 31948886)

Laboratory for Molecular Medicine, Mass General Brigham Personalized Medicine
Classification: Pathogenic for Hereditary breast ovarian cancer syndrome. Last evaluated: 2019-04-24. Review status: criteria provided, single submitter. Criteria: LMM Criteria. Collection method: clinical testing. Allele origin: germline. Inheritance: Autosomal dominant inheritance. Observed: 2 variant alleles. Not counted in ClinVar's aggregate classification.
Comment: The p.Trp1692MetfsX3 variant in BRCA2 has been identified in >30 individuals of various ethnicities with Fanconi anemia or BRCA2-related cancers (Risch 2001, Offit 2003, Van Der Hout 2006, Laarabi 2011, Breast Cancer Information Core database). It has also been identified in 1/8884 Ashkenazi Jewish chromosomes by the Genome Aggregation Consortium (GnomAD). This frequency is low enough to be consistent with the frequency of hereditary breast and ovarian cancer (HBOC) in the general population. This variant is predicted to cause a frameshift, which alters the proteinâ€™s amino acid sequence beginning at position 1692 and leads to a premature termination codon 3 amino acids downstream. This alteration is then predicted to lead to a truncated or absent protein. Heterozygous loss of function of the BRCA2 gene is an established disease mechanism in HBOC. In addition, this variant was classified as Pathogenic on April 22, 2016 by the ClinGen-approved ENIGMA expert panel (ClinVar SCV000282397.1). In summary, this variant meets our criteria to be classified as pathogenic for HBOC in an autosomal dominant manner. ACMG/AMP criteria applied: PVS1, PS4, PM2.

Human Genome Sequencing Center Clinical Lab, Baylor College of Medicine
Classification: Pathogenic for Familial breast-ovarian cancer 2. Last evaluated: 2018-10-12. Review status: criteria provided, single submitter. Criteria: ACMG Guidelines, 2015. Collection method: clinical testing. Allele origin: germline. Not counted in ClinVar's aggregate classification.
Comment: The c.5073dupA (p.Trp1692Metfs*3) variant in the BRCA2 gene is predicted to introduce a premature translation termination codon. This variant has been reported in multiple patients with breast cancer or ovarian cancer (PMID: 11179017, 14559878, 16683254, 26026974, 26641009). This variant has been seen 29 times in the Breast Cancer Information Core (BIC) dataset and is extremely rare in the general population according to the gnomAD. Therefore, this c.5073dupA (p.Trp1692Metfs*3) variant in the BRCA2 gene is classified as pathogenic.